The following is an entry in ClinVar:

ClinVar aggregate classification (germline): Conflicting classifications of pathogenicity. Review status: criteria provided, conflicting classifications (1 of 4 stars). 7 submissions from 7 submitters: Uncertain significance (5); Likely benign (2). Last evaluated 2026-06-23.

Conditions:
Long QT syndrome (LQTS). Identifiers: MedGen C0023976, MeSH D008133, MONDO:0002442. Disease mechanism: loss of function. Inheritance: Various modes of inheritance.
Timothy syndrome (TS). Also called: LONG QT SYNDROME WITH SYNDACTYLY. Identifiers: Orphanet 65283, MedGen C1832916, MeSH C536962, MONDO:0010979, OMIM 601005.
Brugada syndrome 3 (BRGDA3). Identifiers: Orphanet 130, MedGen C2678478, MONDO:0012742, OMIM 611875.
CACNA1C-related disorder. Also called: CACNA1C-related condition; CACNA1C-related disorders. Identifiers: MedGen CN381092, MONDO:0700321.
Cardiovascular phenotype. Identifiers: MedGen CN230736.

Allele frequency attached by ClinVar (database versions not stated): gnomAD 0.00003; TOPMed 0.00010; gnomAD exomes 0.00006; ExAC 0.00030.
gnomAD v4.1: 191 of 1,560,548 alleles (0.012%); highest among the groups gnomAD compares: Middle Eastern, 0.017%; no homozygotes.

Submissions (7):

PreventionGenetics, part of Exact Sciences
Classification: Uncertain significance for CACNA1C-related condition. Last evaluated: 2026-06-23. Review status: criteria provided, single submitter. Criteria: ACMG Guidelines, 2015. Collection method: clinical testing. Allele origin: germline.
Comment: The CACNA1C c.5098G>A variant is predicted to result in the amino acid substitution p.Gly1700Ser. This variant, also known as c.5242G>A (p.Gly1748Ser) in an alternate transcript, has been reported with uncertain significance in an individual with hypertrophic cardiomyopathy who was part a cohort of individuals studied because of sudden cardiac death at a young age (Kwok et al. 2024. PubMed ID: 38958565). This variant is reported in 0.010% of alleles in individuals of European (Non-Finnish) descent in gnomAD. Although we suspect that this variant may be benign, at this time, the clinical significance of this variant is uncertain due to the absence of conclusive functional and genetic evidence.

Labcorp Genetics (formerly Invitae), Labcorp
Classification: Uncertain significance for Long QT syndrome. Last evaluated: 2025-12-15. Review status: criteria provided, single submitter. Criteria: Invitae Variant Classification Sherloc (09022015). Collection method: clinical testing. Allele origin: germline.
Comment: This sequence change replaces glycine, which is neutral and non-polar, with serine, which is neutral and polar, at codon 1700 of the CACNA1C protein (p.Gly1700Ser). This variant is present in population databases (rs761966966, gnomAD 0.01%). This missense change has been observed in individual(s) with hypertrophic cardiomyopathy and sudden cardiac death (PMID: 38958565). This variant is also known as c.5242G>A (p.Gly1748Ser). ClinVar contains an entry for this variant (Variation ID: 526905). Invitae Evidence Modeling of protein sequence and biophysical properties (such as structural, functional, and spatial information, amino acid conservation, physicochemical variation, residue mobility, and thermodynamic stability) indicates that this missense variant is not expected to disrupt CACNA1C protein function with a negative predictive value of 95%. In summary, the available evidence is currently insufficient to determine the role of this variant in disease. Therefore, it has been classified as a Variant of Uncertain Significance.

GeneDx
Classification: Uncertain significance. Last evaluated: 2024-11-21. Review status: criteria provided, single submitter. Criteria: GeneDx Variant Classification Process June 2021. Collection method: clinical testing. Allele origin: germline. Affected: yes.
Comment: Has not been previously published as pathogenic or benign to our knowledge; In silico analysis, which includes protein predictors and evolutionary conservation, supports a deleterious effect; In silico analysis supports that this missense variant has a deleterious effect on protein structure/function

Ambry Genetics
Classification: Likely benign for Cardiovascular phenotype. Last evaluated: 2024-08-21. Review status: criteria provided, single submitter. Criteria: Ambry Variant Classification Scheme 2023. Collection method: clinical testing. Allele origin: germline.

Revvity Omics, Revvity
Classification: Uncertain significance. Last evaluated: 2022-04-18. Review status: criteria provided, single submitter. Criteria: ACMG Guidelines, 2015. Collection method: clinical testing. Allele origin: germline.

Women's Health and Genetics/Laboratory Corporation of America, LabCorp
Classification: Likely benign. Last evaluated: 2019-04-01. Review status: criteria provided, single submitter. Criteria: LabCorp Variant Classification Summary - May 2015. Collection method: clinical testing. Allele origin: germline.
Comment: Variant summary: CACNA1C c.5098G>A (p.Gly1700Ser) results in a non-conservative amino acid change in the encoded protein sequence. Three of five in-silico tools predict a damaging effect of the variant on protein function. The variant allele was found at a frequency of 5.6e-05 in 216132 control chromosomes (gnomAD). The observed variant frequency is approximately 6 fold of the estimated maximal expected allele frequency for a pathogenic variant in CACNA1C causing Arrhythmia phenotype (1e-05), strongly suggesting that the variant is benign. To our knowledge, no occurrence of c.5098G>A in individuals affected with Arrhythmia and no experimental evidence demonstrating its impact on protein function have been reported. One clinical diagnostic laboratory has submitted clinical-significance assessments for this variant to ClinVar after 2014 without evidence for independent evaluation and classified the variant as uncertain significance. Based on the evidence outlined above, the variant was classified as likely benign.

Fulgent Genetics
Classification: Uncertain significance for Timothy syndrome; Brugada syndrome 3. Last evaluated: 2018-10-31. Review status: criteria provided, single submitter. Criteria: ACMG Guidelines, 2015. Collection method: clinical testing. Allele origin: unknown.

Literature cited by the submitters: PubMed 38958565 (cited by Labcorp Genetics (formerly Invitae), Labcorp).

NM_000719.7(CACNA1C):c.5098G>A (p.Gly1700Ser)

Genes: CACNA1C (calcium voltage-gated channel subunit alpha1 C; plus strand), CACNA1C-AS1 (CACNA1C antisense RNA 1; minus strand). Cytogenetic location: 12p13.33.
Variant type: single nucleotide variant.
Coding change: c.5098G>A on transcript NM_000719.7 (MANE Select); coding-DNA position 5098, G replaced by A.
Protein change: p.Gly1700Ser; replaces glycine 1700 with serine.
Molecular consequence: missense variant.
Genome position (GRCh38, 1-based): chr12:2,679,450, G>A. VCF-style: chr12-2679450-G-A. GRCh37 (hg19) VCF-style: chr12-2788616-G-A.
Other names: c.5242G>A, p.Gly1748Ser (NM_001129827.2, NM_199460.4); c.5221G>A, p.Gly1741Ser (NM_001129829.2); c.5098G>A, p.Gly1700Ser (NM_001129830.3, NM_001129840.2, NM_001129841.2 and 4 more transcripts); c.5182G>A, p.Gly1728Ser (NM_001129831.2); c.5158G>A, p.Gly1720Ser (NM_001129832.2); c.5155G>A, p.Gly1719Ser (NM_001129833.2, NM_001129834.2, NM_001129835.2); c.5149G>A, p.Gly1717Ser (NM_001129836.2); c.5122G>A, p.Gly1708Ser (NM_001129837.2, NM_001129838.2); and 3 more; short protein forms G1700S, G1748S, G1697S, G1717S, G1689S, G1708S, G1728S, G1706S.
Identifiers: ClinVar variation 526905 (VCV000526905.20), dbSNP rs761966966, ClinGen allele CA6389709.